The following is an entry in ClinVar:

NM_001042492.3(NF1):c.4024A>G (p.Met1342Val)

Gene: NF1 (neurofibromin 1; plus strand). Cytogenetic location: 17q11.2.
Variant type: single nucleotide variant.
Coding change: c.4024A>G on transcript NM_001042492.3 (MANE Select); coding-DNA position 4024, A replaced by G.
Protein change: p.Met1342Val; replaces methionine 1342 with valine.
Molecular consequence: missense variant.
Genome position (GRCh38, 1-based): chr17:31,249,033, A>G. VCF-style: chr17-31249033-A-G. GRCh37 (hg19) VCF-style: chr17-29576051-A-G.
Other names: c.4024A>G, p.Met1342Val (NM_000267.4); short protein forms M1342V.
Identifiers: ClinVar variation 824519 (VCV000824519.10), dbSNP rs1597735093, ClinGen allele CA398994912.

ClinVar aggregate classification (germline): Uncertain significance. Review status: criteria provided, multiple submitters, no conflicts (2 of 4 stars). 2 submissions from 2 submitters: Uncertain significance (2). Last evaluated 2025-03-11.

Conditions:
Neurofibromatosis, type 1 (NF1). Also called: Neurofibromatosis, type I; Peripheral type neurofibromatosis; VON RECKLINGHAUSEN DISEASE; NEUROFIBROMATOSIS, TYPE I, SOMATIC. Identifiers: Orphanet 636, MedGen C0027831, MONDO:0018975, OMIM 162200. Disease mechanism: loss of function.
Hereditary cancer-predisposing syndrome. Also called: Neoplastic Syndromes, Hereditary; Hereditary Cancer Syndrome; Hereditary neoplastic syndrome; Tumor predisposition. Identifiers: Orphanet 140162, MedGen C0027672, MeSH D009386, MONDO:0015356.
Cardiovascular phenotype. Identifiers: MedGen CN230736.

Allele frequency attached by ClinVar (database versions not stated): gnomAD exomes below 0.00001; gnomAD 0.00001.

Submissions (2):

Ambry Genetics
Classification: Uncertain significance for Cardiovascular phenotype; Hereditary cancer-predisposing syndrome. Last evaluated: 2025-03-11. Review status: criteria provided, single submitter. Criteria: Ambry Variant Classification Scheme 2023. Collection method: clinical testing. Allele origin: germline.
Comment: The p.M1342V variant (also known as c.4024A>G), located in coding exon 30 of the NF1 gene, results from an A to G substitution at nucleotide position 4024. The methionine at codon 1342 is replaced by valine, an amino acid with highly similar properties. This amino acid position is well conserved in available vertebrate species. In addition, the in silico prediction for this alteration is inconclusive. Based on the available evidence, the clinical significance of this variant remains unclear.

Labcorp Genetics (formerly Invitae), Labcorp
Classification: Uncertain significance for Neurofibromatosis, type 1. Last evaluated: 2024-07-16. Review status: criteria provided, single submitter. Criteria: Invitae Variant Classification Sherloc (09022015). Collection method: clinical testing. Allele origin: germline.
Comment: This sequence change replaces methionine, which is neutral and non-polar, with valine, which is neutral and non-polar, at codon 1342 of the NF1 protein (p.Met1342Val). This variant is not present in population databases (gnomAD no frequency). This variant has not been reported in the literature in individuals affected with NF1-related conditions. ClinVar contains an entry for this variant (Variation ID: 824519). Advanced modeling of protein sequence and biophysical properties (such as structural, functional, and spatial information, amino acid conservation, physicochemical variation, residue mobility, and thermodynamic stability) performed at Invitae indicates that this missense variant is not expected to disrupt NF1 protein function with a negative predictive value of 95%. In summary, the available evidence is currently insufficient to determine the role of this variant in disease. Therefore, it has been classified as a Variant of Uncertain Significance.